The following is an entry in ClinVar:

NM_001303256.3(MORC2):c.355A>G (p.Thr119Ala)

Gene: MORC2 (MORC family CW-type zinc finger 2; minus strand). Cytogenetic location: 22q12.2.
Variant type: single nucleotide variant.
Coding change: c.355A>G on transcript NM_001303256.3 (MANE Select); coding-DNA position 355, A replaced by G.
Protein change: p.Thr119Ala; replaces threonine 119 with alanine.
Molecular consequence: missense variant.
Genome position (GRCh38, 1-based): chr22:30,946,412, T>C on the plus strand (A>G on the coding strand, the complement: MORC2 is on the minus strand). VCF-style: chr22-30946412-T-C. GRCh37 (hg19) VCF-style: chr22-31342399-T-C.
Other names: c.355A>G, p.Thr119Ala (NM_001303257.2); c.169A>G, p.Thr57Ala (NM_014941.3); short protein forms T119A, T57A.
Identifiers: ClinVar variation 542280 (VCV000542280.9), dbSNP rs748216749, ClinGen allele CA10187279.
Genomic context (GRCh38, chr22:30,946,412, plus strand): 5'-CTTCTTCCTCATGAAACGTGCGAGACAGGAAGAGGCAGGTCATGGTGTCTTCCTTCTTGG[T>C]GAACAGGATAAAATCCTTCCCAATGCGCATTGAGCCCCTGAAAAGGAAACAGAAATGGGT-3'
Protein context (NP_001290185.1, residues 109-129): MRIGKDFILF[Thr119Ala]KKEDTMTCLF

ClinVar aggregate classification (germline): Uncertain significance (1 of 4 stars; one submission).

Conditions:
Charcot-Marie-Tooth disease axonal type 2Z. Also called: CHARCOT-MARIE-TOOTH DISEASE, AXONAL, AUTOSOMAL DOMINANT, TYPE 2Z; CHARCOT-MARIE-TOOTH NEUROPATHY, TYPE 2Z. Identifiers: Orphanet 466768, MedGen C5569025, MONDO:0014736, OMIM 616688.

Allele frequency attached by ClinVar (database versions not stated): TOPMed below 0.00001; ExAC 0.00001; gnomAD exomes below 0.00001.

Submission:

Labcorp Genetics (formerly Invitae), Labcorp
Classification: Uncertain significance for Charcot-Marie-Tooth disease axonal type 2Z. Last evaluated: 2022-03-03. Review status: criteria provided, single submitter. Criteria: Invitae Variant Classification Sherloc (09022015). Collection method: clinical testing. Allele origin: germline.
Comment: This sequence change replaces threonine, which is neutral and polar, with alanine, which is neutral and non-polar, at codon 119 of the MORC2 protein (p.Thr119Ala). This variant is present in population databases (rs748216749, gnomAD 0.0009%). In summary, the available evidence is currently insufficient to determine the role of this variant in disease. Therefore, it has been classified as a Variant of Uncertain Significance. Advanced modeling of protein sequence and biophysical properties (such as structural, functional, and spatial information, amino acid conservation, physicochemical variation, residue mobility, and thermodynamic stability) performed at Invitae indicates that this missense variant is expected to disrupt MORC2 protein function. ClinVar contains an entry for this variant (Variation ID: 542280). This variant has not been reported in the literature in individuals affected with MORC2-related conditions.